The following is an entry in ClinVar:

ClinVar aggregate classification (germline): Likely benign. Review status: criteria provided, multiple submitters, no conflicts (2 of 4 stars). 3 submissions from 3 submitters: Likely benign (2). 1 of the submissions does not count toward it. Last evaluated 2024-10-07.

Conditions:
PKHD1-related disorder. Also called: PKHD1-related condition.
Autosomal recessive polycystic kidney disease (ARPKD). Also called: AR polycystic kidney disease. Identifiers: Orphanet 731, Orphanet 8378, MedGen C0085548, MeSH D017044, MONDO:0009889.

Allele frequency attached by ClinVar (database versions not stated): gnomAD exomes 0.00002; TOPMed 0.00005; ESP Exome Variant Server 0.00008; 1000 Genomes Project 0.00020; 1000 Genomes Project 30x 0.00031; ExAC 0.00001; gnomAD 0.00001.
gnomAD v4.1: 23 of 1,613,996 alleles (0.0014%); highest among the groups gnomAD compares: East Asian, 0.0089%; no homozygotes.

Submissions (3):

Blueprint Genetics
Classification: Likely benign. Last evaluated: 2024-10-07. Review status: criteria provided, single submitter. Criteria: ACMG Guidelines, 2015. Collection method: clinical testing. Allele origin: germline.

Labcorp Genetics (formerly Invitae), Labcorp
Classification: Likely benign for Autosomal recessive polycystic kidney disease. Last evaluated: 2024-05-29. Review status: criteria provided, single submitter. Criteria: Invitae Variant Classification Sherloc (09022015). Collection method: clinical testing. Allele origin: germline.

PreventionGenetics, part of Exact Sciences
Classification: Likely benign for PKHD1-related condition. Last evaluated: 2023-11-10. Review status: no assertion criteria provided. Collection method: clinical testing. Allele origin: germline. Not counted in ClinVar's aggregate classification.
Comment: This variant is classified as likely benign based on ACMG/AMP sequence variant interpretation guidelines (Richards et al. 2015 PMID: 25741868, with internal and published modifications).

NM_138694.4(PKHD1):c.1803C>T (p.Ala601=)

Gene: PKHD1 (PKHD1 ciliary IPT domain containing fibrocystin/polyductin; minus strand). Cytogenetic location: 6p12.2.
Variant type: single nucleotide variant.
Coding change: c.1803C>T on transcript NM_138694.4 (MANE Select); coding-DNA position 1803, C replaced by T.
Protein change: p.Ala601=; no amino-acid change (alanine 601 retained).
Molecular consequence: synonymous variant.
Genome position (GRCh38, 1-based): chr6:52,055,620, G>A on the plus strand (C>T on the coding strand, the complement: PKHD1 is on the minus strand). VCF-style: chr6-52055620-G-A. GRCh37 (hg19) VCF-style: chr6-51920418-G-A.
Other names: c.1803C>T, p.Ala601= (NM_170724.3); c.1803C>T (NM_138694.3).
Identifiers: ClinVar variation 1092312 (VCV001092312.12), dbSNP rs150333445, ClinGen allele CA3853442.